The following is an entry in ClinVar:

ClinVar aggregate classification (germline): Uncertain significance. Review status: criteria provided, multiple submitters, no conflicts (2 of 4 stars). 2 submissions from 2 submitters: Uncertain significance (2). Last evaluated 2019-04-17.

Conditions:
Hereditary cancer-predisposing syndrome. Also called: Tumor predisposition; Hereditary neoplastic syndrome; Neoplastic Syndromes, Hereditary; Hereditary Cancer Syndrome. Identifiers: Orphanet 140162, MedGen C0027672, MeSH D009386, MONDO:0015356.

Allele frequency attached by ClinVar (database versions not stated): gnomAD exomes below 0.00001.
gnomAD v4.1: 1 of 1,613,916 alleles (0.000062%); highest among the groups gnomAD compares: South Asian, 0.0011%; no homozygotes.

Submissions (2):

GeneDx
Classification: Uncertain significance. Last evaluated: 2019-04-17. Review status: criteria provided, single submitter. Criteria: GeneDx Variant Classification Process June 2021. Collection method: clinical testing. Allele origin: germline. Affected: yes.
Comment: Not observed in large population cohorts (Lek et al., 2016); Has not been previously published as pathogenic or benign to our knowledge

Ambry Genetics
Classification: Uncertain significance for Hereditary cancer-predisposing syndrome. Last evaluated: 2018-05-10. Review status: criteria provided, single submitter. Criteria: Ambry Variant Classification Scheme 2023. Collection method: clinical testing. Allele origin: germline.
Comment: The p.T441A variant (also known as c.1321A>G), located in coding exon 10 of the POLD1 gene, results from an A to G substitution at nucleotide position 1321. The threonine at codon 441 is replaced by alanine, an amino acid with similar properties. This amino acid position is poorly conserved in available vertebrate species. In addition, this alteration is predicted to be tolerated by in silico analysis. Since supporting evidence is limited at this time, the clinical significance of this alteration remains unclear.

NM_002691.4(POLD1):c.1321A>G (p.Thr441Ala)

Gene: POLD1 (DNA polymerase delta 1, catalytic subunit; plus strand). Cytogenetic location: 19q13.33.
Variant type: single nucleotide variant.
Coding change: c.1321A>G on transcript NM_002691.4 (MANE Select); coding-DNA position 1321, A replaced by G.
Protein change: p.Thr441Ala; replaces threonine 441 with alanine.
Molecular consequence: missense variant. On other transcripts: non-coding transcript variant (1).
Genome position (GRCh38, 1-based): chr19:50,406,260, A>G. VCF-style: chr19-50406260-A-G. GRCh37 (hg19) VCF-style: chr19-50909517-A-G.
Other names: c.1321A>G, p.Thr441Ala (NM_001256849.1, NM_001308632.1); short protein forms T441A.
Identifiers: ClinVar variation 818921 (VCV000818921.6), dbSNP rs1601215588, ClinGen allele CA406979869.